The following is an entry in ClinVar:

ClinVar aggregate classification (germline): Uncertain significance. Review status: criteria provided, single submitter (1 of 4 stars). 2 submissions from 2 submitters: Uncertain significance (1). 1 of the submissions does not count toward it. Last evaluated 2025-08-12.

Conditions:
HOXA4-related disorder. Also called: HOXA4-related condition.

Allele frequency attached by ClinVar (database versions not stated): ESP Exome Variant Server 0.00073; 1000 Genomes Project 30x 0.00078; 1000 Genomes Project 0.00080; gnomAD 0.00096; TOPMed 0.00125; gnomAD exomes 0.00142; ExAC 0.00191.
gnomAD v4.1: 2,208 of 1,593,846 alleles (0.14%); highest among the groups gnomAD compares: South Asian, 0.4%; 7 homozygotes.

Submissions (2):

Ambry Genetics
Classification: Uncertain significance. Last evaluated: 2025-08-12. Review status: criteria provided, single submitter. Criteria: Ambry Variant Classification Scheme 2023. Collection method: clinical testing. Allele origin: germline.

PreventionGenetics, part of Exact Sciences
Classification: Likely benign for HOXA4-related condition. Last evaluated: 2021-03-24. Review status: no assertion criteria provided. Collection method: clinical testing. Allele origin: germline. Not counted in ClinVar's aggregate classification.
Comment: This variant is classified as likely benign based on ACMG/AMP sequence variant interpretation guidelines (Richards et al. 2015 PMID: 25741868, with internal and published modifications).

NM_002141.5(HOXA4):c.559C>G (p.Leu187Val)

Genes: HOXA3 (homeobox A3; minus strand), HOXA4 (homeobox A4; minus strand). Cytogenetic location: 7p15.2.
Variant type: single nucleotide variant.
Coding change: c.559C>G on transcript NM_002141.5 (MANE Select); coding-DNA position 559, C replaced by G.
Protein change: p.Leu187Val; replaces leucine 187 with valine.
Molecular consequence: missense variant. On other transcripts: intron variant (7).
Genome position (GRCh38, 1-based): chr7:27,130,175, G>C on the plus strand (C>G on the coding strand, the complement: HOXA4 is on the minus strand). VCF-style: chr7-27130175-G-C. GRCh37 (hg19) VCF-style: chr7-27169794-G-C.
Other names: c.-389-3105C>G (NM_153631.3, NM_001384340.1); c.-505-3105C>G (NM_001384335.1, NM_001384339.1); c.-204-7533C>G (NM_001384336.1, NM_001384338.1); c.-677-3105C>G (NM_001384337.1); short protein forms L187V.
Identifiers: ClinVar variation 3052573 (VCV003052573.3), dbSNP rs200014123, ClinGen allele CA4196772.